The following is an entry in ClinVar:

NM_001365999.1(SZT2):c.1898A>T (p.Tyr633Phe)

Gene: SZT2 (SZT2 subunit of KICSTOR complex; plus strand). Cytogenetic location: 1p34.2.
Variant type: single nucleotide variant.
Coding change: c.1898A>T on transcript NM_001365999.1 (MANE Select); coding-DNA position 1898, A replaced by T.
Protein change: p.Tyr633Phe; replaces tyrosine 633 with phenylalanine.
Molecular consequence: missense variant.
Genome position (GRCh38, 1-based): chr1:43,422,608, A>T. VCF-style: chr1-43422608-A-T. GRCh37 (hg19) VCF-style: chr1-43888279-A-T.
Other names: c.1898A>T, p.Tyr633Phe (NM_015284.4); short protein forms Y633F.
Identifiers: ClinVar variation 950133 (VCV000950133.10), dbSNP rs769983506, ClinGen allele CA808536.

ClinVar aggregate classification (germline): Uncertain significance. Review status: criteria provided, multiple submitters, no conflicts (2 of 4 stars). 4 submissions from 4 submitters: Uncertain significance (4). Last evaluated 2025-01-17.

Conditions:
Inborn genetic diseases. Identifiers: MedGen C0950123, MeSH D030342.

Allele frequency attached by ClinVar (database versions not stated): TOPMed 0.00012; 1000 Genomes Project 30x 0.00016; gnomAD 0.00013 and 0.00014.
gnomAD v4.1: 40 of 1,596,706 alleles (0.0025%); highest among the groups gnomAD compares: African/African-American, 0.048%; no homozygotes.

Submissions (4):

Ambry Genetics
Classification: Uncertain significance for Inborn genetic diseases. Last evaluated: 2025-01-17. Review status: criteria provided, single submitter. Criteria: Ambry Variant Classification Scheme 2023. Collection method: clinical testing. Allele origin: germline.

GeneDx
Classification: Uncertain significance. Last evaluated: 2024-10-01. Review status: criteria provided, single submitter. Criteria: GeneDx Variant Classification Process June 2021. Collection method: clinical testing. Allele origin: germline. Affected: yes.
Comment: In silico analysis indicates that this missense variant does not alter protein structure/function; Has not been previously published as pathogenic or benign to our knowledge

Labcorp Genetics (formerly Invitae), Labcorp
Classification: Uncertain significance. Last evaluated: 2022-08-31. Review status: criteria provided, single submitter. Criteria: Invitae Variant Classification Sherloc (09022015). Collection method: clinical testing. Allele origin: germline.
Comment: This sequence change replaces tyrosine, which is neutral and polar, with phenylalanine, which is neutral and non-polar, at codon 633 of the SZT2 protein (p.Tyr633Phe). This variant is present in population databases (rs769983506, gnomAD 0.04%). This variant has not been reported in the literature in individuals affected with SZT2-related conditions. ClinVar contains an entry for this variant (Variation ID: 950133). Algorithms developed to predict the effect of missense changes on protein structure and function are either unavailable or do not agree on the potential impact of this missense change (SIFT: "Tolerated"; PolyPhen-2: "Probably Damaging"; Align-GVGD: "Class C0"). In summary, the available evidence is currently insufficient to determine the role of this variant in disease. Therefore, it has been classified as a Variant of Uncertain Significance.

Blueprint Genetics
Classification: Uncertain significance. Last evaluated: 2020-09-22. Review status: criteria provided, single submitter. Criteria: ACMG Guidelines, 2015. Collection method: clinical testing. Allele origin: germline.